The following is an entry in ClinVar:

NM_000218.3(KCNQ1):c.478-212C>T

Gene: KCNQ1 (potassium voltage-gated channel subfamily Q member 1; plus strand). Cytogenetic location: 11p15.5.
Variant type: single nucleotide variant.
Coding change: c.478-212C>T on transcript NM_000218.3 (MANE Select); 212 bases into the intron before coding-DNA position 478, C replaced by T.
Molecular consequence: intron variant.
Genome position (GRCh38, 1-based): chr11:2,570,416, C>T. VCF-style: chr11-2570416-C-T. GRCh37 (hg19) VCF-style: chr11-2591646-C-T.
Other names: c.208-212C>T (NM_001406837.1); c.478-212C>T (NM_001406836.1); c.478-13019C>T (NM_001406838.1); c.97-212C>T (NM_181798.2).
Identifiers: ClinVar variation 673143 (VCV000673143.3), dbSNP rs73404676, ClinGen allele CA16407473.

ClinVar aggregate classification (germline): Benign (1 of 4 stars; one submission).

Allele frequency attached by ClinVar (database versions not stated): gnomAD 0.05299 and 0.05531; TOPMed 0.05764; 1000 Genomes Project 0.06669; 1000 Genomes Project 30x 0.06871.
gnomAD v4.1: 7,725 of 146,998 alleles (5.3%); highest among the groups gnomAD compares: African/African-American, 16%; 521 homozygotes.

Submission:

GeneDx
Classification: Benign. Last evaluated: 2018-06-16. Review status: criteria provided, single submitter. Criteria: GeneDx Variant Classification (06012015). Collection method: clinical testing. Allele origin: germline. Affected: yes.
Comment: This variant is considered likely benign or benign based on one or more of the following criteria: it is a conservative change, it occurs at a poorly conserved position in the protein, it is predicted to be benign by multiple in silico algorithms, and/or has population frequency not consistent with disease.